The following is an entry in ClinVar:

NM_001378452.1(ITPR1):c.5296A>T (p.Thr1766Ser)

Gene: ITPR1 (inositol 1,4,5-trisphosphate receptor type 1; plus strand). Cytogenetic location: 3p26.1.
Variant type: single nucleotide variant.
Coding change: c.5296A>T on transcript NM_001378452.1 (MANE Select); coding-DNA position 5296, A replaced by T.
Protein change: p.Thr1766Ser; replaces threonine 1766 with serine.
Molecular consequence: missense variant.
Genome position (GRCh38, 1-based): chr3:4,733,163, A>T. VCF-style: chr3-4733163-A-T. GRCh37 (hg19) VCF-style: chr3-4774847-A-T.
Other names: c.5152A>T, p.Thr1718Ser (NM_001099952.4); c.5251A>T, p.Thr1751Ser (NM_001168272.2); c.5107A>T, p.Thr1703Ser (NM_002222.7); short protein forms T1703S, T1718S, T1751S, T1766S.
Identifiers: ClinVar variation 3610202 (VCV003610202.2).

ClinVar aggregate classification (germline): Uncertain significance (1 of 4 stars; one submission).

gnomAD v4.1: 4 of 1,614,038 alleles (0.00025%); highest among the groups gnomAD compares: Admixed American, 0.0067%; no homozygotes.

Submission:

Labcorp Genetics (formerly Invitae), Labcorp
Classification: Uncertain significance. Last evaluated: 2025-02-13. Review status: criteria provided, single submitter. Criteria: Invitae Variant Classification Sherloc (09022015). Collection method: clinical testing. Allele origin: germline.
Comment: This sequence change replaces threonine, which is neutral and polar, with serine, which is neutral and polar, at codon 1703 of the ITPR1 protein (p.Thr1703Ser). This variant is present in population databases (no rsID available, gnomAD 0.003%). This variant has not been reported in the literature in individuals affected with ITPR1-related conditions. An algorithm developed to predict the effect of missense changes on protein structure and function (PolyPhen-2) suggests that this variant is likely to be tolerated. In summary, the available evidence is currently insufficient to determine the role of this variant in disease. Therefore, it has been classified as a Variant of Uncertain Significance.